The following is an entry in ClinVar:

NM_020971.3(SPTBN4):c.3205G>A (p.Glu1069Lys)

Gene: SPTBN4 (spectrin beta, non-erythrocytic 4; plus strand). Cytogenetic location: 19q13.2.
Variant type: single nucleotide variant.
Coding change: c.3205G>A on transcript NM_020971.3 (MANE Select); coding-DNA position 3205, G replaced by A.
Protein change: p.Glu1069Lys; replaces glutamic acid 1069 with lysine.
Molecular consequence: missense variant.
Genome position (GRCh38, 1-based): chr19:40,519,702, G>A. VCF-style: chr19-40519702-G-A. GRCh37 (hg19) VCF-style: chr19-41025609-G-A.
Other names: short protein forms E1069K.
Identifiers: ClinVar variation 2585635 (VCV002585635.1), dbSNP rs1375293164, ClinGen allele CA405915692.
Genomic context (GRCh38, chr19:40,519,702, plus strand): 5'-GCTGAGCGCTTCCCGGCGCAGGCGGCGCGGCTGCACCAGGGCGCGGAGGAGCTGGGCGCC[G>A]AGTGGGGCGCGCTAGCTAGCGCGGCTCAGGCCTGCGGCGAGGCGGTGGCGGCAGCAGGGC-3'
Protein context (NP_066022.2, residues 1059-1079): LHQGAEELGA[Glu1069Lys]WGALASAAQA

ClinVar aggregate classification (germline): Uncertain significance (1 of 4 stars; one submission).

Conditions:
Neurodevelopmental disorder with hypotonia, neuropathy, and deafness (NEDHND). Also called: SPTBN4 Disorder; Myopathy, congenital, with neuropathy and deafness. Identifiers: MedGen C4479603, MONDO:0060496, OMIM 617519.

Allele frequency attached by ClinVar (database versions not stated): gnomAD exomes below 0.00001.
gnomAD v4.1: 1 of 1,388,524 alleles (0.000072%); highest among the groups gnomAD compares: South Asian, 0.0016%; no homozygotes.

Submission:

Neuberg Centre For Genomic Medicine, NCGM
Classification: Uncertain significance for Neurodevelopmental disorder with hypotonia, neuropathy, and deafness. Review status: criteria provided, single submitter. Criteria: ACMG Guidelines, 2015. Collection method: clinical testing. Allele origin: germline. Inheritance: Autosomal recessive inheritance. Affected: yes.
Comment: The missense variant c.3205G>A (p.Glu1069Lys) in SPTBN4 gene has not been reported previously as a pathogenic variant nor as a benign variant, to our knowledge. The p.Glu1069Lys variant is novel (not in any individuals) in gnomAD Exomes and 1000 Genomes. The amino acid Glu at position 1069 is changed to a Lys changing protein sequence and it might alter its composition and physico-chemical properties.The amino acid change p.Glu1069Lys in SPTBN4 is predicted as conserved by GERP++ and PhyloP across 100 vertebrates. For these reasons, this variant has been classified as Uncertain Significance.